The following is an entry in ClinVar:

ClinVar aggregate classification (germline): Uncertain significance (1 of 4 stars; one submission).

Conditions:
Cholestanol storage disease (CTX). Also called: CEREBRAL CHOLESTERINOSIS; Cerebrotendinous Xanthomatosis; CTX: Cerebrotendinous xanthomatosis. Identifiers: Orphanet 909, MedGen C0238052, MONDO:0008948, OMIM 213700.

Allele frequency attached by ClinVar (database versions not stated): gnomAD exomes below 0.00001; ExAC 0.00001; gnomAD 0.00001; TOPMed 0.00001; ESP Exome Variant Server 0.00008.
gnomAD v4.1: 2 of 1,614,084 alleles (0.00012%); highest among the groups gnomAD compares: Non-Finnish European, 0.00017%; no homozygotes.

Submission:

Labcorp Genetics (formerly Invitae), Labcorp
Classification: Uncertain significance for Cholestanol storage disease. Last evaluated: 2022-06-27. Review status: criteria provided, single submitter. Criteria: Invitae Variant Classification Sherloc (09022015). Collection method: clinical testing. Allele origin: germline.
Comment: In summary, the available evidence is currently insufficient to determine the role of this variant in disease. Therefore, it has been classified as a Variant of Uncertain Significance. Advanced modeling of protein sequence and biophysical properties (such as structural, functional, and spatial information, amino acid conservation, physicochemical variation, residue mobility, and thermodynamic stability) performed at Invitae indicates that this missense variant is not expected to disrupt CYP27A1 protein function. This variant has not been reported in the literature in individuals affected with CYP27A1-related conditions. This variant is present in population databases (rs144068826, gnomAD 0.0009%). This sequence change replaces aspartic acid, which is acidic and polar, with asparagine, which is neutral and polar, at codon 236 of the CYP27A1 protein (p.Asp236Asn).

NM_000784.4(CYP27A1):c.706G>A (p.Asp236Asn)

Gene: CYP27A1 (cytochrome P450 family 27 subfamily A member 1; plus strand). Cytogenetic location: 2q35.
Variant type: single nucleotide variant.
Coding change: c.706G>A on transcript NM_000784.4 (MANE Select); coding-DNA position 706, G replaced by A.
Protein change: p.Asp236Asn; replaces aspartic acid 236 with asparagine.
Molecular consequence: missense variant.
Genome position (GRCh38, 1-based): chr2:218,812,611, G>A. VCF-style: chr2-218812611-G-A. GRCh37 (hg19) VCF-style: chr2-219677334-G-A.
Other names: short protein forms D236N.
Identifiers: ClinVar variation 1385274 (VCV001385274.4), dbSNP rs144068826, ClinGen allele CA2112700.